The following is an entry in ClinVar:

ClinVar aggregate classification (germline): Conflicting classifications of pathogenicity. Review status: criteria provided, conflicting classifications (1 of 4 stars). 3 submissions from 3 submitters: Likely pathogenic (1); Uncertain significance (1). 1 of the submissions does not count toward it. Last evaluated 2025-01-13.

Conditions:
HEMOGLOBIN ALABAMA.
beta Thalassemia (BTHAL). Also called: Cooley's anemia; Erythroblastic anemia; Mediterranean anemia. Identifiers: Orphanet 848, MedGen C0005283, MONDO:0019402. Disease mechanism: loss of function.

Submissions (3):

Natera, Inc.
Classification: Likely pathogenic for Beta thalassemia. Last evaluated: 2025-01-13. Review status: criteria provided, single submitter. Criteria: Natera Variant Classification Schema (03/2026). Collection method: clinical testing. Allele origin: germline.
Comment: The c.118C>A variant in HBB is a missense variant predicted to cause substitution of glutamine to lysine at amino acid 40. This variant is rare in the general population with a frequency below the threshold expected for the associated phenotype(s). This variant has been observed in one or more individuals affected with the associated recessive disease, as either homozygous or compound heterozygous with a second variant (PMID: 22771911). Computational prediction algorithms indicate this variant is likely to affect gene or protein function. Given the available evidence, this variant is classified as Likely Pathogenic.

ARUP Laboratories, Molecular Genetics and Genomics, ARUP Laboratories
Classification: Uncertain significance. Last evaluated: 2020-11-25. Review status: criteria provided, single submitter. Criteria: ARUP Molecular Germline Variant Investigation Process 2021. Collection method: clinical testing. Allele origin: germline.
Comment: The Hb Alabama variant (HBB: c.118C>A; p.Gln40Lys, also known as Gln39Lys when numbered from the mature protein, rs11549407), is reported in the literature in the heterozygous state in at least one individual affected with mild anemia (see link to HbVar and references therein). This variant is also reported in ClinVar (Variation ID: 811501), but is absent from general population databases (Exome Variant Server, and Genome Aggregation Database), indicating it is not a common polymorphism. Additionally, other amino acid substitutions at this codon (Glu, Pro, Arg) have been reported in heterozygous individuals with symptoms ranging from hemolytic mild anemia to no clinical symptoms (Hb Vaasa, Hb Hyden, Hb Tianshui in HbVar and references therein). The glutamine at codon 40 is highly conserved, and computational analyses predict that this variant is deleterious (REVEL: 0.733). Due to limited information, the clinical significance of the Hb Alabama variant is uncertain at this time. References: Link to HbVar for Hb Alabama

OMIM
Classification: other for HEMOGLOBIN ALABAMA. Last evaluated: 2017-12-12. Review status: no assertion criteria provided. Collection method: literature only. Allele origin: germline. Not counted in ClinVar's aggregate classification.

Literature cited by the submitters: PubMed 22771911 (cited by Natera, Inc.); PubMed 1115799 (cited by OMIM).

NM_000518.5(HBB):c.118C>A (p.Gln40Lys)

Genes: HBB (hemoglobin subunit beta; minus strand), LOC106099062 (HBB recombination region; plus strand), LOC107133510 (origin of replication at HBB; plus strand). Cytogenetic location: 11p15.4.
Variant type: single nucleotide variant.
Coding change: c.118C>A on transcript NM_000518.5 (MANE Select); coding-DNA position 118, C replaced by A.
Protein change: p.Gln40Lys; replaces glutamine 40 with lysine.
Molecular consequence: missense variant.
Genome position (GRCh38, 1-based): chr11:5,226,774, G>T on the plus strand (C>A on the coding strand, the complement: HBB is on the minus strand). VCF-style: chr11-5226774-G-T. GRCh37 (hg19) VCF-style: chr11-5248004-G-T.
Other names: Q39K; Hb Alabama; short protein forms Q40K.
Identifiers: ClinVar variation 811501 (VCV000811501.11), dbSNP rs11549407, ClinGen allele CA217114557.